The following is an entry in ClinVar:

ClinVar aggregate classification (germline): Uncertain significance (0 of 4 stars; one submission).

Conditions:
MRAP2-related disorder. Also called: MRAP2-related condition.

gnomAD v4.1: 10 of 1,613,538 alleles (0.00062%); highest among the groups gnomAD compares: Non-Finnish European, 0.00085%; no homozygotes.

Submission:

PreventionGenetics, part of Exact Sciences
Classification: Uncertain significance for MRAP2-related condition. Last evaluated: 2024-03-04. Review status: no assertion criteria provided. Collection method: clinical testing. Allele origin: germline.
Comment: The MRAP2 c.69G>A variant is predicted to result in premature protein termination (p.Trp23*). To our knowledge, this variant has not been reported in the literature or in a large population database, indicating this variant is rare. At this time, the clinical significance of this variant is uncertain due to the absence of conclusive functional and genetic evidence.

NM_138409.4(MRAP2):c.69G>A (p.Trp23Ter)

Gene: MRAP2 (melanocortin 2 receptor accessory protein 2; plus strand). Cytogenetic location: 6q14.2.
Variant type: single nucleotide variant.
Coding change: c.69G>A on transcript NM_138409.4 (MANE Select); coding-DNA position 69, G replaced by A.
Protein change: p.Trp23Ter; replaces tryptophan 23 with a stop codon.
Molecular consequence: nonsense. On other transcripts: 5 prime UTR variant (2).
Genome position (GRCh38, 1-based): chr6:84,055,387, G>A. VCF-style: chr6-84055387-G-A. GRCh37 (hg19) VCF-style: chr6-84765106-G-A.
Other names: c.-90G>A (NM_001346541.2); c.69G>A, p.Trp23Ter (NM_001346542.2, NM_001346544.2); c.-191G>A (NM_001346543.2); short protein forms W23*.
Identifiers: ClinVar variation 3351384 (VCV003351384.1).